The following is an entry in ClinVar:

ClinVar aggregate classification (germline): Likely pathogenic (1 of 4 stars; one submission).

Conditions:
Neurofibromatosis, type 1 (NF1). Also called: Neurofibromatosis, type I; VON RECKLINGHAUSEN DISEASE; Peripheral type neurofibromatosis; NEUROFIBROMATOSIS, TYPE I, SOMATIC. Identifiers: Orphanet 636, MedGen C0027831, MONDO:0018975, OMIM 162200. Disease mechanism: loss of function.

Submission:

Labcorp Genetics (formerly Invitae), Labcorp
Classification: Likely pathogenic for Neurofibromatosis, type 1. Last evaluated: 2019-12-27. Review status: criteria provided, single submitter. Criteria: Invitae Variant Classification Sherloc (09022015). Collection method: clinical testing. Allele origin: germline.
Comment: This sequence change falls in intron 36 of the NF1 gene. It does not directly change the encoded amino acid sequence of the NF1 protein, but it affects a nucleotide within the consensus splice site of the intron. This variant is not present in population databases (ExAC no frequency). In summary, the currently available evidence indicates that the variant is pathogenic, but additional data are needed to prove that conclusively. Therefore, this variant has been classified as Likely Pathogenic. This variant disrupts the c.5205+5 nucleotide in the NF1 gene. Other variant(s) that disrupt this nucleotide have been determined to be pathogenic (PMID: 21354044, 12807981). This suggests that this nucleotide is clinically-significant, and that variants that disrupt this position are likely to be disease-causing. Nucleotide substitutions within the consensus splice site are a relatively common cause of aberrant splicing (PMID: 17576681, 9536098). Algorithms developed to predict the effect of sequence changes on RNA splicing suggest that this variant may disrupt the consensus splice site, but this prediction has not been confirmed by published transcriptional studies. Disruption of this splice site has been observed in individual(s) with a diagnosis of, or clinical features of, neurofibromatosis type 1 (PMID: 16835897, 23913538, 12807981, Invitae).

Literature cited by the submitters: PubMed 21354044; PubMed 12807981; PubMed 17576681; PubMed 9536098; PubMed 16835897; PubMed 23913538.

NM_001042492.3(NF1):c.5268+5G>C

Gene: NF1 (neurofibromin 1; plus strand). Cytogenetic location: 17q11.2.
Variant type: single nucleotide variant.
Coding change: c.5268+5G>C on transcript NM_001042492.3 (MANE Select); 5 bases into the intron after coding-DNA position 5268, G replaced by C.
Molecular consequence: intron variant.
Genome position (GRCh38, 1-based): chr17:31,326,257, G>C. VCF-style: chr17-31326257-G-C. GRCh37 (hg19) VCF-style: chr17-29653275-G-C.
Other names: c.5205+5G>C (NM_000267.4).
Identifiers: ClinVar variation 857985 (VCV000857985.6), dbSNP rs864622551, ClinGen allele CA916080616.